The following is an entry in ClinVar:

NM_022168.4(IFIH1):c.1355C>A (p.Ala452Glu)

Gene: IFIH1 (interferon induced with helicase C domain 1; minus strand). Cytogenetic location: 2q24.2.
Variant type: single nucleotide variant.
Coding change: c.1355C>A on transcript NM_022168.4 (MANE Select); coding-DNA position 1355, C replaced by A.
Protein change: p.Ala452Glu; replaces alanine 452 with glutamic acid.
Molecular consequence: missense variant.
Genome position (GRCh38, 1-based): chr2:162,281,497, G>T on the plus strand (C>A on the coding strand, the complement: IFIH1 is on the minus strand). VCF-style: chr2-162281497-G-T. GRCh37 (hg19) VCF-style: chr2-163138007-G-T.
Other names: c.1355C>A (NM_022168.3); short protein forms A452E.
Identifiers: ClinVar variation 1038260 (VCV001038260.9), dbSNP rs147642994, ClinGen allele CA349002514.

ClinVar aggregate classification (germline): Uncertain significance. Review status: criteria provided, multiple submitters, no conflicts (2 of 4 stars). 2 submissions from 2 submitters: Uncertain significance (2). Last evaluated 2025-02-18.

Conditions:
Aicardi-Goutieres syndrome 7 (AGS7). Identifiers: Orphanet 51, MedGen C3888244, MONDO:0014367, OMIM 615846.
Singleton-Merten syndrome 1 (SGMRT1). Also called: Widened medullary cavities of bone, aortic calcification, abnormal dentition, and muscular weakness; Syndrome of widened medullary cavities of the metacarpals and phalanges, aortic calcification and abnormal dentition. Identifiers: Orphanet 85191, MedGen C4225427, MONDO:0024535, OMIM 182250.

Allele frequency attached by ClinVar (database versions not stated): gnomAD exomes below 0.00001.
gnomAD v4.1: 1 of 1,611,692 alleles (0.000062%); highest among the groups gnomAD compares: Non-Finnish European, 0.000085%; no homozygotes.

Submissions (2):

GeneDx
Classification: Uncertain significance. Last evaluated: 2025-02-18. Review status: criteria provided, single submitter. Criteria: GeneDx Variant Classification Process June 2021. Collection method: clinical testing. Allele origin: germline. Affected: yes.
Comment: Not observed at significant frequency in large population cohorts (gnomAD); In silico analysis indicates that this missense variant does not alter protein structure/function; Has not been previously published as pathogenic or benign to our knowledge

Labcorp Genetics (formerly Invitae), Labcorp
Classification: Uncertain significance for Aicardi-Goutieres syndrome 7; Singleton-Merten syndrome 1. Last evaluated: 2020-06-14. Review status: criteria provided, single submitter. Criteria: Invitae Variant Classification Sherloc (09022015). Collection method: clinical testing. Allele origin: germline.
Comment: In summary, the available evidence is currently insufficient to determine the role of this variant in disease. Therefore, it has been classified as a Variant of Uncertain Significance. Algorithms developed to predict the effect of missense changes on protein structure and function output the following: SIFT: "Tolerated"; PolyPhen-2: "Benign"; Align-GVGD: "Class C0". The glutamic acid amino acid residue is found in multiple mammalian species, suggesting that this missense change does not adversely affect protein function. These predictions have not been confirmed by published functional studies and their clinical significance is uncertain. This variant has not been reported in the literature in individuals with IFIH1-related conditions. This variant is not present in population databases (ExAC no frequency). This sequence change replaces alanine with glutamic acid at codon 452 of the IFIH1 protein (p.Ala452Glu). The alanine residue is moderately conserved and there is a moderate physicochemical difference between alanine and glutamic acid.